The following is an entry in ClinVar:

NM_001128840.3(CACNA1D):c.3629T>C (p.Met1210Thr)

Gene: CACNA1D (calcium voltage-gated channel subunit alpha1 D; plus strand). Cytogenetic location: 3p21.1.
Variant type: single nucleotide variant.
Coding change: c.3629T>C on transcript NM_001128840.3 (MANE Select); coding-DNA position 3629, T replaced by C.
Protein change: p.Met1210Thr; replaces methionine 1210 with threonine.
Molecular consequence: missense variant.
Genome position (GRCh38, 1-based): chr3:53,751,861, T>C. VCF-style: chr3-53751861-T-C. GRCh37 (hg19) VCF-style: chr3-53785888-T-C.
Other names: c.3689T>C, p.Met1230Thr (NM_000720.4); c.3629T>C, p.Met1210Thr (NM_001128839.3); short protein forms M1210T, M1230T.
Identifiers: ClinVar variation 3616500 (VCV003616500.2).

ClinVar aggregate classification (germline): Uncertain significance (1 of 4 stars; one submission).

Submission:

Labcorp Genetics (formerly Invitae), Labcorp
Classification: Uncertain significance. Last evaluated: 2024-07-27. Review status: criteria provided, single submitter. Criteria: Invitae Variant Classification Sherloc (09022015). Collection method: clinical testing. Allele origin: germline.
Comment: This sequence change replaces methionine, which is neutral and non-polar, with threonine, which is neutral and polar, at codon 1230 of the CACNA1D protein (p.Met1230Thr). This variant is not present in population databases (gnomAD no frequency). This variant has not been reported in the literature in individuals affected with CACNA1D-related conditions. Advanced modeling of protein sequence and biophysical properties (such as structural, functional, and spatial information, amino acid conservation, physicochemical variation, residue mobility, and thermodynamic stability) performed at Invitae indicates that this missense variant is not expected to disrupt CACNA1D protein function with a negative predictive value of 80%. In summary, the available evidence is currently insufficient to determine the role of this variant in disease. Therefore, it has been classified as a Variant of Uncertain Significance.